The following is an entry in ClinVar:

ClinVar aggregate classification (germline): Uncertain significance (1 of 4 stars; one submission).

Conditions:
ANKRD12-related disorder. Also called: ANKRD12-related condition.

Submission:

PreventionGenetics, part of Exact Sciences
Classification: Uncertain significance for ANKRD12-related condition. Last evaluated: 2023-03-03. Review status: criteria provided, single submitter. Criteria: ACMG Guidelines, 2015. Collection method: clinical testing. Allele origin: germline.
Comment: The ANKRD12 c.2897A>C variant is predicted to result in the amino acid substitution p.Asp966Ala. To our knowledge, this variant has not been reported in the literature or in a large population database, indicating this variant is rare. At this time, the clinical significance of this variant is uncertain due to the absence of conclusive functional and genetic evidence.

NM_015208.5(ANKRD12):c.2897A>C (p.Asp966Ala)

Gene: ANKRD12 (ankyrin repeat domain 12; plus strand). Cytogenetic location: 18p11.22.
Variant type: single nucleotide variant.
Coding change: c.2897A>C on transcript NM_015208.5 (MANE Select); coding-DNA position 2897, A replaced by C.
Protein change: p.Asp966Ala; replaces aspartic acid 966 with alanine.
Molecular consequence: missense variant.
Genome position (GRCh38, 1-based): chr18:9,256,164, A>C. VCF-style: chr18-9256164-A-C. GRCh37 (hg19) VCF-style: chr18-9256162-A-C.
Other names: c.2828A>C, p.Asp943Ala (NM_001083625.3, NM_001204056.1); short protein forms D943A, D966A.
Identifiers: ClinVar variation 2629600 (VCV002629600.1), dbSNP rs2510865998, ClinGen allele CA401875931.